The following is an entry in ClinVar:

NM_032444.4(SLX4):c.2972_2973del (p.Gln991fs)

Gene: SLX4 (SLX4 structure-specific endonuclease subunit; minus strand). Cytogenetic location: 16p13.3.
Variant type: Deletion.
Coding change: c.2972_2973del on transcript NM_032444.4 (MANE Select); coding-DNA positions 2972 to 2973, 2 bases deleted (AG; older notation c.2972_2973delAG).
Protein change: p.Gln991fs; shifts the reading frame from glutamine 991.
Molecular consequence: frameshift variant.
Genome position (GRCh38, 1-based): chr16:3,590,665-3,590,666, CT deleted on the plus strand (AG on the coding strand, the reverse complement: SLX4 is on the minus strand). VCF-style (leftmost placement, unchanged base first): chr16-3590664-CCT-C. GRCh37 (hg19) VCF-style: chr16-3640665-CCT-C.
Other names: short protein forms Q991fs.
Identifiers: ClinVar variation 4855855 (VCV004855855.1).

ClinVar aggregate classification (germline): Pathogenic (1 of 4 stars; one submission).

Conditions:
Fanconi anemia complementation group P. Also called: SLX4-Related Fanconi Anemia. Identifiers: Orphanet 84, MedGen C3469542, MONDO:0013499, OMIM 613951.

Submission:

3billion
Classification: Pathogenic for Fanconi anemia complementation group P. Last evaluated: 2025-08-06. Review status: criteria provided, single submitter. Criteria: ACMG Guidelines, 2015. Collection method: clinical testing. Allele origin: germline. Affected: yes.
Comment: The variant is observed at an extremely low frequency in the gnomAD v4.1.0 dataset (total allele frequency: <0.001%). Predicted Consequence/Location: Frameshift: predicted to result in a loss or disruption of normal protein function through nonsense-mediated decay (NMD) or protein truncation. Multiple pathogenic variants are reported downstream of the variant. Therefore, this variant is classified as Pathogenic according to the recommendation of ACMG/AMP guideline.